The following is an entry in ClinVar:

NM_000059.4(BRCA2):c.4213A>G (p.Asn1405Asp)

Gene: BRCA2 (BRCA2 DNA repair associated; plus strand). Cytogenetic location: 13q13.1.
Variant type: single nucleotide variant.
Coding change: c.4213A>G on transcript NM_000059.4 (MANE Select); coding-DNA position 4213, A replaced by G.
Protein change: p.Asn1405Asp; replaces asparagine 1405 with aspartic acid.
Molecular consequence: missense variant.
Genome position (GRCh38, 1-based): chr13:32,338,568, A>G. VCF-style: chr13-32338568-A-G. GRCh37 (hg19) VCF-style: chr13-32912705-A-G.
Other names: short protein forms N1405D.
Identifiers: ClinVar variation 495458 (VCV000495458.19), dbSNP rs1555283633, ClinGen allele CA387780264.
Genomic context (GRCh38, chr13:32,338,568, plus strand): 5'-TCAGATTTAACTTTTTTGGAAGTTGCGAAAGCTCAAGAAGCATGTCATGGTAATACTTCA[A>G]ATAAAGAACAGTTAACTGCTACTAAAACGGAGCAAAATATAAAAGATTTTGAGACTTCTG-3'
Protein context (NP_000050.3, residues 1395-1415): AQEACHGNTS[Asn1405Asp]KEQLTATKTE

ClinVar aggregate classification (germline): Conflicting classifications of pathogenicity. Review status: criteria provided, conflicting classifications (1 of 4 stars). 6 submissions from 6 submitters: Uncertain significance (4); Likely benign (2). Last evaluated 2025-02-24.

Conditions:
Hereditary breast ovarian cancer syndrome. Also called: Hereditary breast and/or ovarian cancer syndrome; BRCA1- and BRCA2-Associated Hereditary Breast and Ovarian Cancer; Breast and ovarian cancer; Hereditary breast and ovarian cancer; Hereditary breast and ovarian cancer syndrome; Hereditary breast and ovarian cancer syndrome (HBOC). Identifiers: Orphanet 145, MedGen C0677776, MeSH D061325, MONDO:0003582. Disease mechanism: loss of function.
Hereditary cancer-predisposing syndrome. Also called: Hereditary neoplastic syndrome; Tumor predisposition; Hereditary Cancer Syndrome; Neoplastic Syndromes, Hereditary. Identifiers: Orphanet 140162, MedGen C0027672, MeSH D009386, MONDO:0015356.

Allele frequency attached by ClinVar (database versions not stated): gnomAD exomes below 0.00001.
gnomAD v4.1: 1 of 1,595,618 alleles (0.000063%); highest among the groups gnomAD compares: Non-Finnish European, 0.000085%; no homozygotes.

Submissions (6):

Women's Health and Genetics/Laboratory Corporation of America, LabCorp
Classification: Uncertain significance. Last evaluated: 2025-02-24. Review status: criteria provided, single submitter. Criteria: LabCorp Variant Classification Summary - May 2015. Collection method: clinical testing. Allele origin: germline.
Comment: Variant summary: BRCA2 c.4213A>G (p.Asn1405Asp) results in a conservative amino acid change in the encoded protein sequence. Five of five in-silico tools predict a benign effect of the variant on protein function. The variant was absent in 236124 control chromosomes (gnomAD). The available data on variant occurrences in the general population are insufficient to allow any conclusion about variant significance. c.4213A>G has been reported in the literature in an individual affected with pancreatic cancer as well as an unaffected control (Mizukami_2020). This report does not provide unequivocal conclusions about association of the variant with Hereditary Breast And Ovarian Cancer Syndrome. To our knowledge, no experimental evidence demonstrating an impact on protein function has been reported. The following publication has been ascertained in the context of this evaluation (PMID: 32980694). ClinVar contains an entry for this variant (Variation ID: 495458). Based on the evidence outlined above, the variant was classified as uncertain significance.

Ambry Genetics
Classification: Likely benign for Hereditary cancer-predisposing syndrome. Last evaluated: 2023-11-22. Review status: criteria provided, single submitter. Criteria: Ambry Variant Classification Scheme 2023. Collection method: clinical testing. Allele origin: germline.

GeneDx
Classification: Uncertain significance. Last evaluated: 2023-05-30. Review status: criteria provided, single submitter. Criteria: GeneDx Variant Classification Process June 2021. Collection method: clinical testing. Allele origin: germline. Affected: yes.
Comment: Not observed at significant frequency in large population cohorts (gnomAD); In silico analysis supports that this missense variant does not alter protein structure/function; Also known as 4441A>G; Observed in cases and controls in a pancreatic cancer study, but was not observed in any cases in a breast cancer case-control study (Momozawa et al., 2018; Mizukami et al., 2020); This variant is associated with the following publications: (PMID: 31911673, 30287823, 32980694)

University of Washington Department of Laboratory Medicine, University of Washington
Classification: Likely benign for Hereditary cancer-predisposing syndrome. Last evaluated: 2023-03-23. Review status: criteria provided, single submitter. Criteria: Dines et al. (Genet Med. 2020). Collection method: curation. Allele origin: germline.
Comment: Missense variant in a coldspot region where missense variants are very unlikely to be pathogenic (PMID:31911673).

BRCA2 exon 11 coldspot. Reclassification based on statistical prior probability.

Labcorp Genetics (formerly Invitae), Labcorp
Classification: Uncertain significance for Hereditary breast ovarian cancer syndrome. Last evaluated: 2019-12-22. Review status: criteria provided, single submitter. Criteria: Invitae Variant Classification Sherloc (09022015). Collection method: clinical testing. Allele origin: germline.
Comment: In summary, the available evidence is currently insufficient to determine the role of this variant in disease. Therefore, it has been classified as a Variant of Uncertain Significance. Algorithms developed to predict the effect of sequence changes on RNA splicing suggest that this variant may create or strengthen a splice site, but this prediction has not been confirmed by published transcriptional studies. Algorithms developed to predict the effect of missense changes on protein structure and function output the following: SIFT: "Tolerated"; PolyPhen-2: "Benign"; Align-GVGD: "Class C0". The aspartic acid amino acid residue is found in multiple mammalian species, suggesting that this missense change does not adversely affect protein function. These predictions have not been confirmed by published functional studies and their clinical significance is uncertain. This variant has been reported in individuals in the Leiden Open-source Variation Database (PMID: 21520333). ClinVar contains an entry for this variant (Variation ID: 495458). This variant is not present in population databases (ExAC no frequency). This sequence change replaces asparagine with aspartic acid at codon 1405 of the BRCA2 protein (p.Asn1405Asp). The asparagine residue is weakly conserved and there is a small physicochemical difference between asparagine and aspartic acid.

Genetic Services Laboratory, University of Chicago
Classification: Uncertain significance. Last evaluated: 2018-06-22. Review status: criteria provided, single submitter. Criteria: ACMG Guidelines, 2015. Collection method: clinical testing. Allele origin: germline. Affected: no.

Literature cited by the submitters: PubMed 32980694 (cited by Women's Health and Genetics/Laboratory Corporation of America, LabCorp); PubMed 30287823 (cited by Ambry Genetics); PubMed 21520333 (cited by Labcorp Genetics (formerly Invitae), Labcorp).